The following is an entry in ClinVar:

NM_005445.4(SMC3):c.3104A>G (p.Gln1035Arg)

Gene: SMC3 (structural maintenance of chromosomes 3; plus strand). Cytogenetic location: 10q25.2.
Variant type: single nucleotide variant.
Coding change: c.3104A>G on transcript NM_005445.4 (MANE Select); coding-DNA position 3104, A replaced by G.
Protein change: p.Gln1035Arg; replaces glutamine 1035 with arginine.
Molecular consequence: missense variant.
Genome position (GRCh38, 1-based): chr10:110,602,177, A>G. VCF-style: chr10-110602177-A-G. GRCh37 (hg19) VCF-style: chr10-112361935-A-G.
Other names: short protein forms Q1035R.
Identifiers: ClinVar variation 3341123 (VCV003341123.2).

ClinVar aggregate classification (germline): Pathogenic (1 of 4 stars; one submission).

Submission:

Centre for Clinical Genetics and Genomic Diagnostics, Zealand University Hospital
Classification: Pathogenic. Last evaluated: 2025-03-04. Review status: criteria provided, single submitter. Criteria: ACMG Guidelines, 2015. Collection method: clinical testing. Allele origin: germline.
Comment: Reclassified from VUS